The following is an entry in ClinVar:

NM_001040108.2(MLH3):c.519G>C (p.Gln173His)

Gene: MLH3 (mutL homolog 3; minus strand). Cytogenetic location: 14q24.3.
Variant type: single nucleotide variant.
Coding change: c.519G>C on transcript NM_001040108.2 (MANE Select); coding-DNA position 519, G replaced by C.
Protein change: p.Gln173His; replaces glutamine 173 with histidine.
Molecular consequence: missense variant.
Genome position (GRCh38, 1-based): chr14:75,049,137, C>G on the plus strand (G>C on the coding strand, the complement: MLH3 is on the minus strand). VCF-style: chr14-75049137-C-G. GRCh37 (hg19) VCF-style: chr14-75515840-C-G.
Other names: c.519G>C, p.Gln173His (NM_014381.3); short protein forms Q173H.
Identifiers: ClinVar variation 410905 (VCV000410905.12), dbSNP rs1060503070, ClinGen allele CA16614144.

ClinVar aggregate classification (germline): Uncertain significance. Review status: criteria provided, multiple submitters, no conflicts (2 of 4 stars). 2 submissions from 2 submitters: Uncertain significance (2). Last evaluated 2025-11-03.

Conditions:
Colorectal cancer, hereditary nonpolyposis, type 7. Identifiers: Orphanet 144, MedGen C1858380, MONDO:0013725, OMIM 614385.

Allele frequency attached by ClinVar (database versions not stated): gnomAD exomes below 0.00001; TOPMed 0.00001.
gnomAD v4.1: 2 of 1,614,200 alleles (0.00012%); highest among the groups gnomAD compares: Non-Finnish European, 0.00017%; no homozygotes.

Submissions (2):

Labcorp Genetics (formerly Invitae), Labcorp
Classification: Uncertain significance for Colorectal cancer, hereditary nonpolyposis, type 7. Last evaluated: 2025-11-03. Review status: criteria provided, single submitter. Criteria: Invitae Variant Classification Sherloc (09022015). Collection method: clinical testing. Allele origin: germline.
Comment: This sequence change replaces glutamine, which is neutral and polar, with histidine, which is basic and polar, at codon 173 of the MLH3 protein (p.Gln173His). This variant is not present in population databases (gnomAD no frequency). This variant has not been reported in the literature in individuals affected with MLH3-related conditions. ClinVar contains an entry for this variant (Variation ID: 410905). An algorithm developed to predict the effect of missense changes on protein structure and function (PolyPhen-2) suggests that this variant is likely to be tolerated. In summary, the available evidence is currently insufficient to determine the role of this variant in disease. Therefore, it has been classified as a Variant of Uncertain Significance.

Ambry Genetics
Classification: Uncertain significance. Last evaluated: 2024-08-31. Review status: criteria provided, single submitter. Criteria: Ambry Variant Classification Scheme 2023. Collection method: clinical testing. Allele origin: germline.
Comment: The p.Q173H variant (also known as c.519G>C), located in coding exon 1 of the MLH3 gene, results from a G to C substitution at nucleotide position 519. The glutamine at codon 173 is replaced by histidine, an amino acid with highly similar properties. This amino acid position is conserved. In addition, this alteration is predicted to be tolerated by in silico analysis. Since supporting evidence is limited at this time, the clinical significance of this alteration remains unclear.